The following is an entry in ClinVar:

ClinVar aggregate classification (germline): Uncertain significance (1 of 4 stars; one submission).

Conditions:
Catecholaminergic polymorphic ventricular tachycardia 1. Also called: VENTRICULAR TACHYCARDIA, CATECHOLAMINERGIC POLYMORPHIC, 1, WITH OR WITHOUT ATRIAL DYSFUNCTION AND/OR DILATED CARDIOMYOPATHY; RYR2-Related Catecholaminergic Polymorphic Ventricular Tachycardia; VENTRICULAR TACHYCARDIA, STRESS-INDUCED POLYMORPHIC 1. Identifiers: Orphanet 3286, MedGen C1631597, MONDO:0011484, OMIM 604772.

Submission:

Labcorp Genetics (formerly Invitae), Labcorp
Classification: Uncertain significance for Catecholaminergic polymorphic ventricular tachycardia 1. Last evaluated: 2022-03-26. Review status: criteria provided, single submitter. Criteria: Invitae Variant Classification Sherloc (09022015). Collection method: clinical testing. Allele origin: germline.
Comment: In summary, the available evidence is currently insufficient to determine the role of this variant in disease. Therefore, it has been classified as a Variant of Uncertain Significance. Advanced modeling of protein sequence and biophysical properties (such as structural, functional, and spatial information, amino acid conservation, physicochemical variation, residue mobility, and thermodynamic stability) performed at Invitae indicates that this missense variant is not expected to disrupt RYR2 protein function. This variant has not been reported in the literature in individuals affected with RYR2-related conditions. This variant is not present in population databases (gnomAD no frequency). This sequence change replaces isoleucine, which is neutral and non-polar, with valine, which is neutral and non-polar, at codon 3513 of the RYR2 protein (p.Ile3513Val).

NM_001035.3(RYR2):c.10537A>G (p.Ile3513Val)

Gene: RYR2 (ryanodine receptor 2; plus strand). Cytogenetic location: 1q43.
Variant type: single nucleotide variant.
Coding change: c.10537A>G on transcript NM_001035.3 (MANE Select); coding-DNA position 10537, A replaced by G.
Protein change: p.Ile3513Val; replaces isoleucine 3513 with valine.
Molecular consequence: missense variant.
Genome position (GRCh38, 1-based): chr1:237,718,504, A>G. VCF-style: chr1-237718504-A-G. GRCh37 (hg19) VCF-style: chr1-237881804-A-G.
Other names: short protein forms I3513V.
Identifiers: ClinVar variation 2117454 (VCV002117454.4), dbSNP rs2547458400, ClinGen allele CA345415315.